The following is an entry in ClinVar:

NM_015338.6(ASXL1):c.77A>G (p.Asp26Gly)

Gene: ASXL1 (ASXL transcriptional regulator 1; plus strand). Cytogenetic location: 20q11.21.
Variant type: single nucleotide variant.
Coding change: c.77A>G on transcript NM_015338.6 (MANE Select); coding-DNA position 77, A replaced by G.
Protein change: p.Asp26Gly; replaces aspartic acid 26 with glycine.
Molecular consequence: missense variant.
Genome position (GRCh38, 1-based): chr20:32,366,403, A>G. VCF-style: chr20-32366403-A-G. GRCh37 (hg19) VCF-style: chr20-30954206-A-G.
Other names: c.77A>G, p.Asp26Gly (NM_001164603.1); c.47A>G, p.Asp16Gly (NM_001363734.1); short protein forms D16G, D26G.
Identifiers: ClinVar variation 5030052 (VCV005030052.1).

ClinVar aggregate classification (germline): Uncertain significance (1 of 4 stars; one submission).

Conditions:
Inborn genetic diseases. Identifiers: MedGen C0950123, MeSH D030342.

gnomAD v4.1: 3 of 1,613,564 alleles (0.00019%); highest among the groups gnomAD compares: Non-Finnish European, 0.00025%; no homozygotes.

Submission:

Ambry Genetics
Classification: Uncertain significance for Inborn genetic diseases. Last evaluated: 2026-07-25. Review status: criteria provided, single submitter. Criteria: Ambry Variant Classification Scheme 2023. Collection method: clinical testing. Allele origin: germline.
Comment: The p.D26G variant (also known as c.77A>G), located in coding exon 2 of the ASXL1 gene, results from an A to G substitution at nucleotide position 77. The aspartic acid at codon 26 is replaced by glycine, an amino acid with similar properties. This amino acid position is conserved. In addition, the in silico prediction for this alteration is inconclusive. Based on the available evidence, the clinical significance of this variant remains unclear.